The following is an entry in ClinVar:

ClinVar aggregate classification (germline): Likely benign. Review status: criteria provided, multiple submitters, no conflicts (2 of 4 stars). 3 submissions from 3 submitters: Likely benign (3). Last evaluated 2026-01-14.

Conditions:
Inborn genetic diseases. Identifiers: MedGen C0950123, MeSH D030342.

Allele frequency attached by ClinVar (database versions not stated): ESP Exome Variant Server 0.00008; gnomAD 0.00010; TOPMed 0.00010.

Submissions (3):

Labcorp Genetics (formerly Invitae), Labcorp
Classification: Likely benign. Last evaluated: 2026-01-14. Review status: criteria provided, single submitter. Criteria: Invitae Variant Classification Sherloc (09022015). Collection method: clinical testing. Allele origin: germline.

CeGaT Center for Human Genetics Tuebingen
Classification: Likely benign. Last evaluated: 2025-04-01. Review status: criteria provided, single submitter. Criteria: CeGaT Center For Human Genetics Tuebingen Variant Classification Criteria Version 2. Collection method: clinical testing. Allele origin: germline. Affected: yes. Observed: 1 variant allele.
Comment: KDM1A: BP4, BP7

Ambry Genetics
Classification: Likely benign for Inborn genetic diseases. Last evaluated: 2024-12-07. Review status: criteria provided, single submitter. Criteria: Ambry Variant Classification Scheme 2023. Collection method: clinical testing. Allele origin: germline.

NM_001009999.3(KDM1A):c.2538G>A (p.Ala846=)

Gene: KDM1A (lysine demethylase 1A; plus strand). Cytogenetic location: 1p36.12.
Variant type: single nucleotide variant.
Coding change: c.2538G>A on transcript NM_001009999.3 (MANE Select); coding-DNA position 2538, G replaced by A.
Protein change: p.Ala846=; no amino-acid change (alanine 846 retained).
Molecular consequence: synonymous variant. On other transcripts: 3 prime UTR variant (1).
Genome position (GRCh38, 1-based): chr1:23,083,271, G>A. VCF-style: chr1-23083271-G-A. GRCh37 (hg19) VCF-style: chr1-23409764-G-A.
Other names: c.2538G>A (NM_001009999.2); c.2484G>A, p.Ala828= (NM_001363654.2); c.2544G>A, p.Ala848= (NM_001410762.1); c.*786G>A (NM_001410763.1); c.2466G>A, p.Ala822= (NM_015013.4).
Identifiers: ClinVar variation 2898841 (VCV002898841.14), dbSNP rs148163048, ClinGen allele CA679990.